The following is an entry in ClinVar:

ClinVar aggregate classification (germline): Uncertain significance (1 of 4 stars; one submission).

Allele frequency attached by ClinVar (database versions not stated): TOPMed below 0.00001; gnomAD 0.00001; gnomAD exomes 0.00001; ExAC 0.00003; ESP Exome Variant Server 0.00008.
gnomAD v4.1: 12 of 1,594,370 alleles (0.00075%); highest among the groups gnomAD compares: East Asian, 0.0045%; no homozygotes.

Submission:

Labcorp Genetics (formerly Invitae), Labcorp
Classification: Uncertain significance. Last evaluated: 2024-10-23. Review status: criteria provided, single submitter. Criteria: Invitae Variant Classification Sherloc (09022015). Collection method: clinical testing. Allele origin: germline.
Comment: This sequence change replaces glycine, which is neutral and non-polar, with glutamic acid, which is acidic and polar, at codon 6192 of the ADGRV1 protein (p.Gly6192Glu). The frequency data for this variant in the population databases is considered unreliable, as metrics indicate poor data quality at this position in the gnomAD database. This variant has not been reported in the literature in individuals affected with ADGRV1-related conditions. ClinVar contains an entry for this variant (Variation ID: 1427782). An algorithm developed to predict the effect of missense changes on protein structure and function (PolyPhen-2) suggests that this variant is likely to be disruptive. In summary, the available evidence is currently insufficient to determine the role of this variant in disease. Therefore, it has been classified as a Variant of Uncertain Significance.

NM_032119.4(ADGRV1):c.18575G>A (p.Gly6192Glu)

Gene: ADGRV1 (adhesion G protein-coupled receptor V1; plus strand). Cytogenetic location: 5q14.3.
Variant type: single nucleotide variant.
Coding change: c.18575G>A on transcript NM_032119.4 (MANE Select); coding-DNA position 18575, G replaced by A.
Protein change: p.Gly6192Glu; replaces glycine 6192 with glutamic acid.
Molecular consequence: missense variant. On other transcripts: non-coding transcript variant (1).
Genome position (GRCh38, 1-based): chr5:91,150,172, G>A. VCF-style: chr5-91150172-G-A. GRCh37 (hg19) VCF-style: chr5-90445989-G-A.
Other names: short protein forms G6192E.
Identifiers: ClinVar variation 1427782 (VCV001427782.7), dbSNP rs369354773, ClinGen allele CA3342690.